The following is an entry in ClinVar:

ClinVar aggregate classification (germline): Uncertain significance (1 of 4 stars; one submission).

Allele frequency attached by ClinVar (database versions not stated): ExAC 0.00001; gnomAD exomes 0.00001.
gnomAD v4.1: 7 of 1,613,142 alleles (0.00043%); highest among the groups gnomAD compares: Non-Finnish European, 0.00059%; no homozygotes.

Submission:

Labcorp Genetics (formerly Invitae), Labcorp
Classification: Uncertain significance. Last evaluated: 2024-01-05. Review status: criteria provided, single submitter. Criteria: Invitae Variant Classification Sherloc (09022015). Collection method: clinical testing. Allele origin: germline.
Comment: This sequence change replaces arginine, which is basic and polar, with tryptophan, which is neutral and slightly polar, at codon 373 of the CLPX protein (p.Arg373Trp). This variant is present in population databases (rs759705385, gnomAD 0.0009%). This variant has not been reported in the literature in individuals affected with CLPX-related conditions. Advanced modeling of protein sequence and biophysical properties (such as structural, functional, and spatial information, amino acid conservation, physicochemical variation, residue mobility, and thermodynamic stability) performed at Invitae indicates that this missense variant is expected to disrupt CLPX protein function with a positive predictive value of 80%. Algorithms developed to predict the effect of sequence changes on RNA splicing suggest that this variant may disrupt the consensus splice site. In summary, the available evidence is currently insufficient to determine the role of this variant in disease. Therefore, it has been classified as a Variant of Uncertain Significance.

NM_006660.5(CLPX):c.1117C>T (p.Arg373Trp)

Gene: CLPX (caseinolytic mitochondrial matrix peptidase chaperone subunit X; minus strand). Cytogenetic location: 15q22.31.
Variant type: single nucleotide variant.
Coding change: c.1117C>T on transcript NM_006660.5 (MANE Select); coding-DNA position 1117, C replaced by T.
Protein change: p.Arg373Trp; replaces arginine 373 with tryptophan.
Molecular consequence: missense variant. On other transcripts: non-coding transcript variant (1).
Genome position (GRCh38, 1-based): chr15:65,156,873, G>A on the plus strand (C>T on the coding strand, the complement: CLPX is on the minus strand). VCF-style: chr15-65156873-G-A. GRCh37 (hg19) VCF-style: chr15-65449211-G-A.
Other names: short protein forms R373W.
Identifiers: ClinVar variation 2961725 (VCV002961725.3), dbSNP rs759705385, ClinGen allele CA7614725.